The following is an entry in ClinVar:

ClinVar aggregate classification (germline): Uncertain significance (1 of 4 stars; one submission).

gnomAD v4.1: 5 of 541,580 alleles (0.00092%); highest among the groups gnomAD compares: East Asian, 0.0032%; no homozygotes.

Submission:

Women's Health and Genetics/Laboratory Corporation of America, LabCorp
Classification: Uncertain significance. Last evaluated: 2026-01-06. Review status: criteria provided, single submitter. Criteria: LabCorp Variant Classification Summary - May 2015. Collection method: clinical testing. Allele origin: germline.
Comment: Variant summary: CHEK2 c.-55C>G is located in the untranslated mRNA region upstream of the initiation codon. The variant was absent in 31398 control chromosomes (gnomAD). The available data on variant occurrences in the general population are insufficient to allow any conclusion about variant significance. To our knowledge, no occurrence of c.-55C>G in individuals affected with CHEK2-related conditions and no experimental evidence demonstrating its impact on protein function have been reported. No submitters have cited clinical-significance assessments for this variant to ClinVar. Based on the evidence outlined above, the variant was classified as uncertain significance.

NM_007194.4(CHEK2):c.-55C>G

Gene: CHEK2 (checkpoint kinase 2; minus strand). Cytogenetic location: 22q12.1.
Variant type: single nucleotide variant.
Coding change: c.-55C>G on transcript NM_007194.4 (MANE Select); 55 bases upstream of the start codon, C replaced by G.
Molecular consequence: 5 prime UTR variant.
Genome position (GRCh38, 1-based): chr22:28,741,817, G>C on the plus strand (C>G on the coding strand, the complement: CHEK2 is on the minus strand). VCF-style: chr22-28741817-G-C. GRCh37 (hg19) VCF-style: chr22-29137805-G-C.
Other names: c.-55C>G (NM_001005735.3, NM_001349956.3, NM_001438293.1 and 3 more transcripts); c.-832C>G (NM_001257387.3); c.-393C>G (NM_001437942.1).
Identifiers: ClinVar variation 4689620 (VCV004689620.1).